The following is an entry in ClinVar:

NM_000307.5(POU3F4):c.712_715del (p.Leu238fs)

Gene: POU3F4 (POU class 3 homeobox 4; plus strand). Cytogenetic location: Xq21.1.
Variant type: Deletion.
Coding change: c.712_715del on transcript NM_000307.5 (MANE Select); coding-DNA positions 712 to 715, 4 bases deleted (TTGC; older notation c.712_715delTTGC).
Protein change: p.Leu238fs; shifts the reading frame from leucine 238.
Molecular consequence: frameshift variant.
Genome position (GRCh38, 1-based): chrX:83,509,036-83,509,039, TTGC deleted; deleting any 4 consecutive bases within chrX:83,509,035-83,509,039 gives the same sequence; the c. name uses the placement nearest the transcript's 3' end. VCF-style (leftmost placement, unchanged base first): chrX-83509034-CCTTG-C. GRCh37 (hg19) VCF-style: chrX-82764041-GGCTT-G.
Other names: short protein forms L238fs.
Identifiers: ClinVar variation 3601675 (VCV003601675.1).

ClinVar aggregate classification (germline): Pathogenic (1 of 4 stars; one submission).

Conditions:
X-linked mixed hearing loss with perilymphatic gusher. Also called: Deafness, X-linked 2; NANCE DEAFNESS; PERILYMPHATIC GUSHER-DEAFNESS SYNDROME; SENSORINEURAL DEAFNESS, PROFOUND, WITH OR WITHOUT A CONDUCTIVE COMPONENT, ASSOCIATED WITH A UNIQUE DEVELOPMENTAL ABNORMALITY OF THE EAR; Gusher syndrome. Identifiers: Orphanet 383, MedGen C1844678, MONDO:0010576, OMIM 304400.

Submission:

Institute of Rare Diseases, West China Hospital, Sichuan University
Classification: Pathogenic for X-linked mixed hearing loss with perilymphatic gusher. Last evaluated: 2025-01-09. Review status: criteria provided, single submitter. Criteria: ClinGen HL ACMG Specifications v1. Collection method: research. Allele origin: germline. Affected: yes.
Comment: PM1;PVS1;PM3_Supporting;PP4;PM2_Supporting